The following is an entry in ClinVar:

ClinVar aggregate classification (germline): Uncertain significance (1 of 4 stars; one submission).

Allele frequency attached by ClinVar (database versions not stated): gnomAD exomes below 0.00001; TOPMed below 0.00001; gnomAD 0.00001.
gnomAD v4.1: 2 of 1,596,766 alleles (0.00013%); highest among the groups gnomAD compares: African/African-American, 0.0027%; no homozygotes.

Submission:

Labcorp Genetics (formerly Invitae), Labcorp
Classification: Uncertain significance. Last evaluated: 2021-05-18. Review status: criteria provided, single submitter. Criteria: Invitae Variant Classification Sherloc (09022015). Collection method: clinical testing. Allele origin: germline.
Comment: In summary, the available evidence is currently insufficient to determine the role of this variant in disease. Therefore, it has been classified as a Variant of Uncertain Significance. Nucleotide substitutions within the consensus splice site are a relatively common cause of aberrant splicing (PMID: 17576681, 9536098). Algorithms developed to predict the effect of sequence changes on RNA splicing suggest that this variant is not likely to affect RNA splicing, but this prediction has not been confirmed by published transcriptional studies. This variant has not been reported in the literature in individuals with IDH3A-related conditions. This variant is not present in population databases (ExAC no frequency). This sequence change falls in intron 9 of the IDH3A gene. It does not directly change the encoded amino acid sequence of the IDH3A protein. It affects a nucleotide within the consensus splice site of the intron.

Literature cited by the submitters: PubMed 17576681; PubMed 9536098.

NM_005530.3(IDH3A):c.864+6G>A

Gene: IDH3A (isocitrate dehydrogenase (NAD(+)) 3 catalytic subunit alpha; plus strand). Cytogenetic location: 15q25.1.
Variant type: single nucleotide variant.
Coding change: c.864+6G>A on transcript NM_005530.3 (MANE Select); 6 bases into the intron after coding-DNA position 864, G replaced by A.
Molecular consequence: intron variant.
Genome position (GRCh38, 1-based): chr15:78,165,082, G>A. VCF-style: chr15-78165082-G-A. GRCh37 (hg19) VCF-style: chr15-78457424-G-A.
Identifiers: ClinVar variation 1428240 (VCV001428240.6), dbSNP rs2074724172, ClinGen allele CA971768677.